The following is an entry in ClinVar:

NM_018847.4(KLHL9):c.832A>G (p.Met278Val)

Gene: KLHL9 (kelch like family member 9; minus strand). Cytogenetic location: 9p21.3.
Variant type: single nucleotide variant.
Coding change: c.832A>G on transcript NM_018847.4 (MANE Select); coding-DNA position 832, A replaced by G.
Protein change: p.Met278Val; replaces methionine 278 with valine.
Molecular consequence: missense variant.
Genome position (GRCh38, 1-based): chr9:21,334,028, T>C on the plus strand (A>G on the coding strand, the complement: KLHL9 is on the minus strand). VCF-style: chr9-21334028-T-C. GRCh37 (hg19) VCF-style: chr9-21334027-T-C.
Other names: short protein forms M278V.
Identifiers: ClinVar variation 2721605 (VCV002721605.3), dbSNP rs1214890275, ClinGen allele CA373071053.

ClinVar aggregate classification (germline): Uncertain significance (1 of 4 stars; one submission).

Allele frequency attached by ClinVar (database versions not stated): TOPMed below 0.00001.

Submission:

Labcorp Genetics (formerly Invitae), Labcorp
Classification: Uncertain significance. Last evaluated: 2023-08-04. Review status: criteria provided, single submitter. Criteria: Invitae Variant Classification Sherloc (09022015). Collection method: clinical testing. Allele origin: germline.
Comment: This sequence change replaces methionine, which is neutral and non-polar, with valine, which is neutral and non-polar, at codon 278 of the KLHL9 protein (p.Met278Val). In summary, the available evidence is currently insufficient to determine the role of this variant in disease. Therefore, it has been classified as a Variant of Uncertain Significance. Advanced modeling of protein sequence and biophysical properties (such as structural, functional, and spatial information, amino acid conservation, physicochemical variation, residue mobility, and thermodynamic stability) performed at Invitae indicates that this missense variant is not expected to disrupt KLHL9 protein function. This variant has not been reported in the literature in individuals affected with KLHL9-related conditions. This variant is present in population databases (no rsID available, gnomAD 0.006%).